The following is an entry in ClinVar:

NM_000538.4(RFXAP):c.14G>T (p.Gly5Val)

Genes: RFXAP (regulatory factor X associated protein; plus strand), LOC130009573 (ATAC-STARR-seq lymphoblastoid silent region 5267; plus strand). Cytogenetic location: 13q13.3.
Variant type: single nucleotide variant.
Coding change: c.14G>T on transcript NM_000538.4 (MANE Select); coding-DNA position 14, G replaced by T.
Protein change: p.Gly5Val; replaces glycine 5 with valine.
Molecular consequence: missense variant.
Genome position (GRCh38, 1-based): chr13:36,819,371, G>T. VCF-style: chr13-36819371-G-T. GRCh37 (hg19) VCF-style: chr13-37393508-G-T.
Other names: short protein forms G5V.
Identifiers: ClinVar variation 643242 (VCV000643242.9), dbSNP rs571468892, ClinGen allele CA248179197.
Genomic context (GRCh38, chr13:36,819,371, plus strand): 5'-AGGTGCTAAAAGCCCGGGGTCGTGGACCCCGGCCAGGTCTTAGCAGCATGGAGGCGCAGG[G>T]TGTAGCGGAGGGCGCGGGGCCGGGCGCCGCCAGCGGCGTGCCCCACCCCGCGGCCCTAGC-3'
Protein context (NP_000529.1, residues 1-15): MEAQ[Gly5Val]VAEGAGPGAA

ClinVar aggregate classification (germline): Uncertain significance. Review status: criteria provided, multiple submitters, no conflicts (2 of 4 stars). 2 submissions from 2 submitters: Uncertain significance (2). Last evaluated 2024-02-05.

Conditions:
MHC class II deficiency. Also called: Bare lymphocyte syndrome 2; BLS, TYPE II. Identifiers: Orphanet 572, MedGen C5447452, MONDO:0008855.

Allele frequency attached by ClinVar (database versions not stated): gnomAD 0.00005 and 0.00006; TOPMed 0.00005.

Submissions (2):

Labcorp Genetics (formerly Invitae), Labcorp
Classification: Uncertain significance for MHC class II deficiency. Last evaluated: 2024-02-05. Review status: criteria provided, single submitter. Criteria: Invitae Variant Classification Sherloc (09022015). Collection method: clinical testing. Allele origin: germline.
Comment: This sequence change replaces glycine, which is neutral and non-polar, with valine, which is neutral and non-polar, at codon 5 of the RFXAP protein (p.Gly5Val). This variant is not present in population databases (gnomAD no frequency). This variant has not been reported in the literature in individuals affected with RFXAP-related conditions. ClinVar contains an entry for this variant (Variation ID: 643242). An algorithm developed to predict the effect of missense changes on protein structure and function (PolyPhen-2) suggests that this variant¬†is likely to be tolerated. In summary, the available evidence is currently insufficient to determine the role of this variant in disease. Therefore, it has been classified as a Variant of Uncertain Significance.

Ambry Genetics
Classification: Uncertain significance. Last evaluated: 2023-11-06. Review status: criteria provided, single submitter. Criteria: Ambry Variant Classification Scheme 2023. Collection method: clinical testing. Allele origin: germline.